The following is an entry in ClinVar:

NM_001033057.2(MAGI1):c.4162_4185del (p.Arg1388_Arg1395del)

Gene: MAGI1 (membrane associated guanylate kinase, WW and PDZ domain containing 1; minus strand). Cytogenetic location: 3p14.1.
Variant type: Deletion.
Coding change: c.4162_4185del on transcript NM_001033057.2 (MANE Select); coding-DNA positions 4162 to 4185, 24 bases deleted (AGAGGGGGCTCGCCCGAGCGCAGG).
Protein change: p.Arg1388_Arg1395del.
Molecular consequence: 3 prime UTR variant (on NM_001365903.2).
Genome position (GRCh38, 1-based): chr3:65,356,582-65,356,605, CCTGCGCTCGGGCGAGCCCCCTCT deleted on the plus strand (AGAGGGGGCTCGCCCGAGCGCAGG on the coding strand, the reverse complement: MAGI1 is on the minus strand); deleting any 24 consecutive bases within chr3:65,356,582-65,356,617 gives the same sequence; the c. name uses the placement nearest the transcript's 3' end. VCF-style (leftmost placement, unchanged base first): chr3-65356581-CCCTGCGCTCGGGCGAGCCCCCTCT-C. GRCh37 (hg19) VCF-style: chr3-65342256-CCCTGCGCTCGGGCGAGCCCCCTCT-C.
Other names: c.*471_*494del (NM_001365903.2, NM_001365904.2, NM_015520.2).
Identifiers: ClinVar variation 5040784 (VCV005040784.1).
Genomic context (GRCh38, chr3:65,356,581, plus strand): 5'-CCAGGGACCGCTCTCTCCTGCGCTCGGGGGAGCGTGCGCGCCTCCGGTCGGTGGACTTGG[CCCTGCGCTCGGGCGAGCCCCCTCT>C]CCTGCGCTCGGGGGACCTCCTCTGCTCCAGGAGTCTCTCCAGAGACCGTCTCCGCCGGCT-3'

ClinVar aggregate classification (germline): Likely benign (1 of 4 stars; one submission).

Submission:

CeGaT Center for Human Genetics Tuebingen
Classification: Likely benign. Last evaluated: 2026-09-01. Review status: criteria provided, single submitter. Criteria: CeGaT Center For Human Genetics Tuebingen Variant Classification Criteria Version 2. Collection method: clinical testing. Allele origin: germline. Affected: yes. Observed: 1 variant allele.
Comment: MAGI1: PM4, BS2